The following is an entry in ClinVar:

ClinVar aggregate classification (germline): Uncertain significance. Review status: criteria provided, multiple submitters, no conflicts (2 of 4 stars). 2 submissions from 2 submitters: Uncertain significance (2). Last evaluated 2019-05-28.

Conditions:
Hereditary cancer-predisposing syndrome. Also called: Neoplastic Syndromes, Hereditary; Tumor predisposition; Hereditary neoplastic syndrome; Hereditary Cancer Syndrome. Identifiers: Orphanet 140162, MedGen C0027672, MeSH D009386, MONDO:0015356.
Familial cancer of breast. Also called: BREAST CANCER, FAMILIAL; Hereditary breast cancer; hereditary breast carcinoma. Identifiers: Orphanet 227535, MedGen C0346153, MONDO:0016419, OMIM 114480. Disease mechanism: loss of function.

Submissions (2):

Color Diagnostics, LLC DBA Color Health
Classification: Uncertain significance for Hereditary cancer-predisposing syndrome. Last evaluated: 2019-05-28. Review status: criteria provided, single submitter. Criteria: ACMG Guidelines, 2015. Collection method: clinical testing. Allele origin: germline.

Labcorp Genetics (formerly Invitae), Labcorp
Classification: Uncertain significance for Familial cancer of breast. Last evaluated: 2018-05-07. Review status: criteria provided, single submitter. Criteria: Invitae Variant Classification Sherloc (09022015). Collection method: clinical testing. Allele origin: germline.
Comment: In summary, the available evidence is currently insufficient to determine the role of this variant in disease. Therefore, it has been classified as a Variant of Uncertain Significance. Experimental studies and prediction algorithms are not available for this variant, and the functional significance of the duplicated amino acids is currently unknown. This variant has not been reported in the literature in individuals with CHEK2-related disease. This variant is not present in population databases (ExAC no frequency). This variant, c.1616_1627dupGTGCTGCTGTGT, results in the insertion of 4 amino acids to the CHEK2 protein (p.Cys539_Val542dup), but otherwise preserves the integrity of the reading frame.

NM_007194.4(CHEK2):c.1616_1627dup (p.Val542_Leu543insCysAlaAlaVal)

Gene: CHEK2 (checkpoint kinase 2; minus strand). Cytogenetic location: 22q12.1.
Variant type: Duplication.
Coding change: c.1616_1627dup on transcript NM_007194.4 (MANE Select); coding-DNA positions 1616 to 1627, 12 bases duplicated (GTGCTGCTGTGT).
Protein change: p.Val542_Leu543insCysAlaAlaVal.
Molecular consequence: inframe insertion. On other transcripts: inframe indel (4).
Genome position (GRCh38, 1-based): chr22:28,687,902-28,687,913, ACACAGCAGCAC duplicated on the plus strand (GTGCTGCTGTGT on the coding strand, the reverse complement: CHEK2 is on the minus strand); duplicating any 12 consecutive bases within chr22:28,687,902-28,687,920 gives the same sequence; the c. name uses the placement nearest the transcript's 3' end. VCF-style (leftmost placement, unchanged base first): chr22-28687901-A-AACACAGCAGCAC. GRCh37 (hg19) VCF-style: chr22-29083889-A-AACACAGCAGCAC.
Other names: c.1616_1627dup (NM_007194.3); c.1738_1749dup, p.Val585_Leu586insCysAlaAlaVal (NM_001005735.3); c.946_957dup, p.Val321_Leu322insCysAlaAlaVal (NM_001257387.3); c.1408_1419dup, p.Val475_Leu476insCysAlaAlaVal (NM_001349956.3); c.1522_1533dup, p.Val513_Leu514insCysAlaAlaVal (NM_145862.3).
Identifiers: ClinVar variation 566783 (VCV000566783.12), dbSNP rs1569101939, ClinGen allele CA891844283.
Genomic context (GRCh38, chr22:28,687,901, plus strand): 5'-AAGAAAGATGACAGAGTGAAAGAAGGTACATTTCTTTCGTGTTCAAACCACGGAGTTCAC[A>AACACAGCAGCAC]ACACAGCAGCACACACAGCTGGGCGCTTTGTGGTCTCGGCACCCTCGGCTTCCCCTTCAC-3'